The following is an entry in ClinVar:

NM_001079866.2(BCS1L):c.1036C>T (p.Arg346Ter)

Gene: BCS1L (BCS1 ubiquinol-cytochrome c reductase complex chaperone; plus strand). Cytogenetic location: 2q35.
Variant type: single nucleotide variant.
Coding change: c.1036C>T on transcript NM_001079866.2 (MANE Select); coding-DNA position 1036, C replaced by T.
Protein change: p.Arg346Ter; replaces arginine 346 with a stop codon.
Molecular consequence: nonsense. On other transcripts: non-coding transcript variant (1).
Genome position (GRCh38, 1-based): chr2:218,663,162, C>T. VCF-style: chr2-218663162-C-T. GRCh37 (hg19) VCF-style: chr2-219527885-C-T.
Other names: c.1036C>T, p.Arg346Ter (NM_001257342.2, NM_001257343.2, NM_001257344.2 and 10 more transcripts); c.676C>T, p.Arg226Ter (NM_001318836.2, NM_001371451.1); c.535C>T, p.Arg179Ter (NM_001371452.1, NM_001371453.1, NM_001371454.1 and 3 more transcripts); short protein forms R346*, R226*, R179*.
Identifiers: ClinVar variation 554448 (VCV000554448.6), dbSNP rs550497120, ClinGen allele CA2109834.

ClinVar aggregate classification (germline): Likely pathogenic. Review status: criteria provided, multiple submitters, no conflicts (2 of 4 stars). 4 submissions from 4 submitters: Likely pathogenic (3). 1 of the submissions does not count toward it. Last evaluated 2025-02-10.

Conditions:
Pili torti-deafness syndrome (BJS). Also called: PILI TORTI AND NERVE DEAFNESS; Bjornstad syndrome. Identifiers: Orphanet 123, MedGen C0266006, MONDO:0009872, OMIM 262000.
GRACILE syndrome (FLNMS). Also called: FELLMAN SYNDROME; FINNISH LETHAL NEONATAL METABOLIC SYNDROME. Identifiers: Orphanet 53693, MedGen C1864002, MONDO:0011308, OMIM 603358.
Mitochondrial complex III deficiency nuclear type 1. Identifiers: Orphanet 254902, MedGen C3541471, MONDO:0007415, OMIM 124000.

Allele frequency attached by ClinVar (database versions not stated): gnomAD exomes below 0.00001 and 0.00001; ExAC 0.00001; gnomAD 0.00001; 1000 Genomes Project 30x 0.00016; 1000 Genomes Project 0.00020.
gnomAD v4.1: 8 of 1,614,160 alleles (0.0005%); highest among the groups gnomAD compares: South Asian, 0.0044%; no homozygotes.

Submissions (4):

Natera, Inc.
Classification: Likely pathogenic for GRACILE syndrome. Last evaluated: 2025-02-10. Review status: criteria provided, single submitter. Criteria: Natera Variant Classification Schema (03/2026). Collection method: clinical testing. Allele origin: germline.
Comment: The c.1036C>T variant in BCS1L is a nonsense variant predicted to introduce a stop codon at amino acid 346. This variant is expected to result in nonsense mediated decay, truncation, or a dysfunctional protein product. This variant is rare in the general population with a frequency below the threshold expected for the associated phenotype(s). Given the available evidence, this variant is classified as Likely Pathogenic.

Baylor Genetics
Classification: Likely pathogenic for Pili torti-deafness syndrome. Last evaluated: 2024-03-23. Review status: criteria provided, single submitter. Criteria: ACMG Guidelines, 2015. Collection method: clinical testing. Allele origin: unknown.

Fulgent Genetics
Classification: Likely pathogenic for Mitochondrial complex III deficiency nuclear type 1; Pili torti-deafness syndrome; GRACILE syndrome. Last evaluated: 2024-03-01. Review status: criteria provided, single submitter. Criteria: ACMG Guidelines, 2015. Collection method: clinical testing. Allele origin: germline.

Counsyl
Classification: Likely pathogenic for GRACILE syndrome. Last evaluated: 2017-10-19. Review status: no assertion criteria provided. Collection method: clinical testing. Allele origin: unknown. Not counted in ClinVar's aggregate classification.